The following is an entry in ClinVar:

NM_014679.5(CEP57):c.344G>A (p.Arg115Lys)

Gene: CEP57 (centrosomal protein 57; plus strand). Cytogenetic location: 11q21.
Variant type: single nucleotide variant.
Coding change: c.344G>A on transcript NM_014679.5 (MANE Select); coding-DNA position 344, G replaced by A.
Protein change: p.Arg115Lys; replaces arginine 115 with lysine.
Molecular consequence: missense variant.
Genome position (GRCh38, 1-based): chr11:95,813,073, G>A. VCF-style: chr11-95813073-G-A. GRCh37 (hg19) VCF-style: chr11-95546237-G-A.
Other names: c.317G>A, p.Arg106Lys (NM_001243776.2); c.344G>A, p.Arg115Lys (NM_001243777.2); c.263G>A, p.Arg88Lys (NM_001363604.2); short protein forms R106K, R115K, R88K.
Identifiers: ClinVar variation 3831970 (VCV003831970.1).

ClinVar aggregate classification (germline): Uncertain significance (1 of 4 stars; one submission).

Conditions:
Inborn genetic diseases. Identifiers: MedGen C0950123, MeSH D030342.

Submission:

Ambry Genetics
Classification: Uncertain significance for Inborn genetic diseases. Last evaluated: 2025-01-19. Review status: criteria provided, single submitter. Criteria: Ambry Variant Classification Scheme 2023. Collection method: clinical testing. Allele origin: germline.
Comment: The p.R115K variant (also known as c.344G>A), located in coding exon 3 of the CEP57 gene, results from a G to A substitution at nucleotide position 344. The arginine at codon 115 is replaced by lysine, an amino acid with highly similar properties. This amino acid position is conserved. In addition, this alteration is predicted to be tolerated by in silico analysis. Based on the available evidence, the clinical significance of this variant remains unclear.